The following is an entry in ClinVar:

ClinVar aggregate classification (germline): Uncertain significance. Review status: criteria provided, multiple submitters, no conflicts (2 of 4 stars). 3 submissions from 3 submitters: Uncertain significance (3). Last evaluated 2024-09-17.

Allele frequency attached by ClinVar (database versions not stated): gnomAD 0.00002; gnomAD exomes 0.00003 and 0.00004; ExAC 0.00008.

Submissions (3):

Blueprint Genetics
Classification: Uncertain significance. Last evaluated: 2024-09-17. Review status: criteria provided, single submitter. Criteria: ACMG Guidelines, 2015. Collection method: clinical testing. Allele origin: germline.

Labcorp Genetics (formerly Invitae), Labcorp
Classification: Uncertain significance. Last evaluated: 2024-02-19. Review status: criteria provided, single submitter. Criteria: Invitae Variant Classification Sherloc (09022015). Collection method: clinical testing. Allele origin: germline.
Comment: This sequence change replaces proline, which is neutral and non-polar, with leucine, which is neutral and non-polar, at codon 1000 of the PDZD7 protein (p.Pro1000Leu). This variant is present in population databases (rs751680131, gnomAD 0.008%). This variant has not been reported in the literature in individuals affected with PDZD7-related conditions. ClinVar contains an entry for this variant (Variation ID: 1053359). Algorithms developed to predict the effect of missense changes on protein structure and function output the following: SIFT: "Not Available"; PolyPhen-2: "Not Available"; Align-GVGD: "Not Available". The leucine amino acid residue is found in multiple mammalian species, which suggests that this missense change does not adversely affect protein function. In summary, the available evidence is currently insufficient to determine the role of this variant in disease. Therefore, it has been classified as a Variant of Uncertain Significance.

Breakthrough Genomics
Classification: Uncertain significance. Review status: criteria provided, single submitter. Criteria: ACMG Guidelines, 2015. Collection method: not provided. Allele origin: germline. Inheritance: Autosomal recessive inheritance. Affected: yes.

NM_001195263.2(PDZD7):c.2999C>T (p.Pro1000Leu)

Gene: PDZD7 (PDZ domain containing 7; minus strand). Cytogenetic location: 10q24.31.
Variant type: single nucleotide variant.
Coding change: c.2999C>T on transcript NM_001195263.2 (MANE Select); coding-DNA position 2999, C replaced by T.
Protein change: p.Pro1000Leu; replaces proline 1000 with leucine.
Molecular consequence: missense variant.
Genome position (GRCh38, 1-based): chr10:101,008,570, G>A on the plus strand (C>T on the coding strand, the complement: PDZD7 is on the minus strand). VCF-style: chr10-101008570-G-A. GRCh37 (hg19) VCF-style: chr10-102768327-G-A.
Other names: short protein forms P1000L.
Identifiers: ClinVar variation 1053359 (VCV001053359.10), dbSNP rs751680131, ClinGen allele CA5653932.